The following is an entry in ClinVar:

GRCh37/hg19 2p16.3(chr2:51148272-51363855)x1

Gene: NRXN1 (neurexin 1; minus strand). Cytogenetic location: 2p16.3.
Variant type: copy number loss.
Change: copy number 1 (one copy instead of two) of chr2:51,148,272-51,363,855 (215.6 kb, GRCh37 coordinates, 1-based), cytogenetic band 2p16.3.
Identifiers: ClinVar variation 980989 (VCV000980989.1).

ClinVar aggregate classification (germline): Pathogenic (1 of 4 stars; one submission).

Submission:

Quest Diagnostics Nichols Institute San Juan Capistrano
Classification: Pathogenic. Last evaluated: 2023-08-04. Review status: criteria provided, single submitter. Criteria: ACMG/ClinGen CNV Guidelines, 2019. Collection method: clinical testing. Allele origin: unknown.
Comment: This loss involves multiple exons (NM_001135659.3) of the 5' portion of NRXN1 (OMIM 600565). Haploinsufficiency of NRXN1 has been associated with a wide spectrum of developmental and neuropsychiatric disorders (CCID:007578; Castronovo 2020, Cosemans 2020, Fuccillo 2021, Lowther 2017, Sahoo 2011), with reduced penetrance and variable expressivity (Al Shehhi 2019). Thus, this copy number variant is classified as pathogenic. References: Al Shehhi et al. Eur J Med Genet 2019;62(3):204-209. PMID: 30031152; Castronovo et al. Clin Genet. 2020 97:125–137. PMID: 30873608; Cosemans et al. J Med Genet 2020;57(5):347-355. PMID: 31932357; Fuccillo et al., Curr Opin Genet Dev. 2021 Jun;68:64-70. PMID: 33756113; Lowther et al. Genet Med. 2017;19(1):53-61. PMID: 27195815; Sahoo et al., Genet Med. 2011 Oct;13(10):868-80. PMID: 21792059